The following is an entry in ClinVar:

ClinVar aggregate classification (germline): Uncertain significance. Review status: criteria provided, multiple submitters, no conflicts (2 of 4 stars). 2 submissions from 2 submitters: Uncertain significance (2). Last evaluated 2026-04-10.

Conditions:
Juvenile polyposis syndrome (JPS). Identifiers: Orphanet 2929, MedGen C0345893, MONDO:0017380, OMIM 174900.

Submissions (2):

GeneDx
Classification: Uncertain significance. Last evaluated: 2026-04-10. Review status: criteria provided, single submitter. Criteria: GeneDx Variant Classification Process June 2021. Collection method: clinical testing. Allele origin: germline.
Comment: Not observed at significant frequency in large population cohorts (gnomAD); In silico analysis suggests that this missense variant does not alter protein structure/function; Has not been previously published as pathogenic or benign to our knowledge; This variant is associated with the following publications: (PMID: 15235019, 18823382, 22992590)

Labcorp Genetics (formerly Invitae), Labcorp
Classification: Uncertain significance for Juvenile polyposis syndrome. Last evaluated: 2025-11-13. Review status: criteria provided, single submitter. Criteria: Invitae Variant Classification Sherloc (09022015). Collection method: clinical testing. Allele origin: germline.
Comment: This sequence change replaces glycine, which is neutral and non-polar, with serine, which is neutral and polar, at codon 231 of the SMAD4 protein (p.Gly231Ser). This variant is not present in population databases (gnomAD no frequency). This variant has not been reported in the literature in individuals affected with SMAD4-related conditions. ClinVar contains an entry for this variant (Variation ID: 1389153). Invitae Evidence Modeling of protein sequence and biophysical properties (such as structural, functional, and spatial information, amino acid conservation, physicochemical variation, residue mobility, and thermodynamic stability) indicates that this missense variant is not expected to disrupt SMAD4 protein function with a negative predictive value of 95%. In summary, the available evidence is currently insufficient to determine the role of this variant in disease. Therefore, it has been classified as a Variant of Uncertain Significance.

NM_005359.6(SMAD4):c.691G>A (p.Gly231Ser)

Gene: SMAD4 (SMAD family member 4; plus strand). Cytogenetic location: 18q21.2.
Variant type: single nucleotide variant.
Coding change: c.691G>A on transcript NM_005359.6 (MANE Select); coding-DNA position 691, G replaced by A.
Protein change: p.Gly231Ser; replaces glycine 231 with serine.
Molecular consequence: missense variant.
Genome position (GRCh38, 1-based): chr18:51,058,148, G>A. VCF-style: chr18-51058148-G-A. GRCh37 (hg19) VCF-style: chr18-48584518-G-A.
Other names: c.691G>A (NM_005359.5); short protein forms G231S.
Identifiers: ClinVar variation 1389153 (VCV001389153.7), dbSNP rs1599189469, ClinGen allele CA402462670.